The following is an entry in ClinVar:

ClinVar aggregate classification (germline): Uncertain significance (1 of 4 stars; one submission).

gnomAD v4.1: 1 of 1,584,620 alleles (0.000063%); highest among the groups gnomAD compares: Non-Finnish European, 0.000087%; no homozygotes.

Submission:

Labcorp Genetics (formerly Invitae), Labcorp
Classification: Uncertain significance. Last evaluated: 2020-10-09. Review status: criteria provided, single submitter. Criteria: Invitae Variant Classification Sherloc (09022015). Collection method: clinical testing. Allele origin: germline.
Comment: This variant has not been reported in the literature in individuals with ERCC3-related conditions. Nucleotide substitutions within the consensus splice site are a relatively common cause of aberrant splicing (PMID: 17576681, 9536098). Algorithms developed to predict the effect of sequence changes on RNA splicing suggest that this variant is not likely to affect RNA splicing, but this prediction has not been confirmed by published transcriptional studies. In summary, the available evidence is currently insufficient to determine the role of this variant in disease. Therefore, it has been classified as a Variant of Uncertain Significance. This variant is not present in population databases (ExAC no frequency). This sequence change falls in intron 3 of the ERCC3 gene. It does not directly change the encoded amino acid sequence of the ERCC3 protein, but it affects a nucleotide within the consensus splice site of the intron.

Literature cited by the submitters: PubMed 17576681; PubMed 9536098.

NM_000122.2(ERCC3):c.471+4A>G

Gene: ERCC3 (ERCC excision repair 3, TFIIH core complex helicase subunit; minus strand). Cytogenetic location: 2q14.3.
Variant type: single nucleotide variant.
Coding change: c.471+4A>G on transcript NM_000122.2 (MANE Select); 4 bases into the intron after coding-DNA position 471, A replaced by G.
Molecular consequence: intron variant.
Genome position (GRCh38, 1-based): chr2:127,292,606, T>C on the plus strand (A>G on the coding strand, the complement: ERCC3 is on the minus strand). VCF-style: chr2-127292606-T-C. GRCh37 (hg19) VCF-style: chr2-128050182-T-C.
Other names: c.279+4A>G (NM_001303416.2, NM_001303418.2).
Identifiers: ClinVar variation 1011630 (VCV001011630.6), dbSNP rs1685309373, ClinGen allele CA1286822685.